The following is an entry in ClinVar:

NM_006514.4(SCN10A):c.1343C>T (p.Ser448Leu)

Gene: SCN10A (sodium voltage-gated channel alpha subunit 10; minus strand). Cytogenetic location: 3p22.2.
Variant type: single nucleotide variant.
Coding change: c.1343C>T on transcript NM_006514.4 (MANE Select); coding-DNA position 1343, C replaced by T.
Protein change: p.Ser448Leu; replaces serine 448 with leucine.
Molecular consequence: missense variant.
Genome position (GRCh38, 1-based): chr3:38,755,906, G>A on the plus strand (C>T on the coding strand, the complement: SCN10A is on the minus strand). VCF-style: chr3-38755906-G-A. GRCh37 (hg19) VCF-style: chr3-38797397-G-A.
Other names: c.1343C>T, p.Ser448Leu (NM_001293306.2, NM_001293307.2); short protein forms S448L.
Identifiers: ClinVar variation 3225616 (VCV003225616.1), dbSNP rs769187039, ClinGen allele CA352169007.
Genomic context (GRCh38, chr3:38,755,906, plus strand): 5'-TCTGACACTCTTGGCTTTATTCTATGCCTTCTCTCACTGGCATTTTTGGAGGTTAAAGGT[G>A]ATCCATTGTGGGAGTGGAGAGAGGTTGTGTCAATCCCTAGTGCTGCTAGCACCTGCGAAG-3'
Protein context (NP_006505.4, residues 438-458): DTTSLHSHNG[Ser448Leu]PLTSKNASER

ClinVar aggregate classification (germline): Uncertain significance (1 of 4 stars; one submission).

Conditions:
Cardiovascular phenotype. Identifiers: MedGen CN230736.

Submission:

Ambry Genetics
Classification: Uncertain significance for Cardiovascular phenotype. Last evaluated: 2023-11-23. Review status: criteria provided, single submitter. Criteria: Ambry Variant Classification Scheme 2023. Collection method: clinical testing. Allele origin: germline.
Comment: The p.S448L variant (also known as c.1343C>T), located in coding exon 10 of the SCN10A gene, results from a C to T substitution at nucleotide position 1343. The serine at codon 448 is replaced by leucine, an amino acid with dissimilar properties. This amino acid position is conserved. In addition, the in silico prediction for this alteration is inconclusive. Since supporting evidence is limited at this time, the clinical significance of this alteration remains unclear.